The following is an entry in ClinVar:

ClinVar aggregate classification (germline): Likely benign. Review status: criteria provided, multiple submitters, no conflicts (2 of 4 stars). 7 submissions from 7 submitters: Likely benign (7). Last evaluated 2026-09-01.

Conditions:
DSP-related disorder. Also called: DSP-related condition; DSP-related disorders.
Cardiovascular phenotype. Identifiers: MedGen CN230736.
Arrhythmogenic cardiomyopathy with wooly hair and keratoderma. Also called: PALMOPLANTAR KERATODERMA WITH LEFT VENTRICULAR CARDIOMYOPATHY AND WOOLLY HAIR; Carvajal syndrome; Dilated cardiomyopathy with woolly hair and keratoderma; Arrhythmogenic cardiomyopathy with woolly hair and keratoderma. Identifiers: Orphanet 65282, MedGen C1854063, MONDO:0011581, OMIM 605676.
Arrhythmogenic right ventricular dysplasia 8 (ARVD8). Also called: ARRHYTHMOGENIC RIGHT VENTRICULAR DYSPLASIA, FAMILIAL, 8; ARRHYTHMOGENIC RIGHT VENTRICULAR CARDIOMYOPATHY 8; Arrhythmogenic Right Ventricular Dysplasia/Cardiomyopathy 8. Identifiers: MedGen C1843896, MONDO:0011831, OMIM 607450.
Cardiomyopathy (CMYO). Also called: Cardiomyopathies. Identifiers: Orphanet 167848, MedGen C0878544, MONDO:0004994, HP:0001638. Inheritance: Various modes of inheritance.

Allele frequency attached by ClinVar (database versions not stated): gnomAD exomes 0.00001 and 0.00002; gnomAD 0.00002 and 0.00003; TOPMed 0.00002; ExAC 0.00004; ESP Exome Variant Server 0.00008.
gnomAD v4.1: 24 of 1,614,114 alleles (0.0015%); highest among the groups gnomAD compares: Non-Finnish European, 0.00042%; no homozygotes.

Submissions (7):

CeGaT Center for Human Genetics Tuebingen
Classification: Likely benign. Last evaluated: 2026-09-01. Review status: criteria provided, single submitter. Criteria: CeGaT Center For Human Genetics Tuebingen Variant Classification Criteria Version 2. Collection method: clinical testing. Allele origin: germline. Affected: yes. Observed: 1 variant allele.
Comment: DSP: BP4

Labcorp Genetics (formerly Invitae), Labcorp
Classification: Likely benign for Arrhythmogenic cardiomyopathy with wooly hair and keratoderma; Arrhythmogenic right ventricular dysplasia 8. Last evaluated: 2026-01-12. Review status: criteria provided, single submitter. Criteria: Invitae Variant Classification Sherloc (09022015). Collection method: clinical testing. Allele origin: germline.

PreventionGenetics, part of Exact Sciences
Classification: Likely benign for DSP-related condition. Last evaluated: 2025-12-23. Review status: criteria provided, single submitter. Criteria: ACMG Guidelines, 2015. Collection method: clinical testing. Allele origin: germline.
Comment: This variant is classified as likely benign based on ACMG/AMP sequence variant interpretation guidelines (Richards et al. 2015 PMID: 25741868, with internal and published modifications).

All of Us Research Program, National Institutes of Health
Classification: Likely benign for Arrhythmogenic cardiomyopathy with wooly hair and keratoderma. Last evaluated: 2024-04-16. Review status: criteria provided, single submitter. Criteria: ACMG Guidelines, 2015. Collection method: clinical testing. Allele origin: germline. Inheritance: Autosomal dominant inheritance. Observed: 6 variant alleles, 6 heterozygotes.
Comment: This study involves interpretation of variants in research participants for the purpose of population health screening. Participant phenotype was not available at the time of variant classification. Additional details can be found in publication PMID: 35346344, PMCID: PMC8962531

Color Diagnostics, LLC DBA Color Health
Classification: Likely benign for Cardiomyopathy. Last evaluated: 2018-10-08. Review status: criteria provided, single submitter. Criteria: ACMG Guidelines, 2015. Collection method: clinical testing. Allele origin: germline.

Ambry Genetics
Classification: Likely benign for Cardiovascular phenotype. Last evaluated: 2017-03-22. Review status: criteria provided, single submitter. Criteria: Ambry Variant Classification Scheme 2023. Collection method: clinical testing. Allele origin: germline.

Laboratory for Molecular Medicine, Mass General Brigham Personalized Medicine
Classification: Likely benign. Last evaluated: 2012-03-19. Review status: criteria provided, single submitter. Criteria: LMM Criteria. Collection method: clinical testing. Allele origin: germline. Observed: 1 variant allele.
Comment: p.Leu1718Leu in exon 23 of DSP: This variant is not expected to have clinical si gnificance because it does not alter an amino acid residue and is not located wi thin the splice consensus sequence. It has been identified in 1/7020 European Am erican chromosomes from a broad population by the NHLBI Exome Sequencing Project.

NM_004415.4(DSP):c.5154G>A (p.Leu1718=)

Gene: DSP (desmoplakin; plus strand). Cytogenetic location: 6p24.3.
Variant type: single nucleotide variant.
Coding change: c.5154G>A on transcript NM_004415.4 (MANE Select); coding-DNA position 5154, G replaced by A.
Protein change: p.Leu1718=; no amino-acid change (leucine 1718 retained).
Molecular consequence: synonymous variant. On other transcripts: intron variant (2).
Genome position (GRCh38, 1-based): chr6:7,581,344, G>A. VCF-style: chr6-7581344-G-A. GRCh37 (hg19) VCF-style: chr6-7581577-G-A.
Other names: c.4050+1104G>A (NM_001319034.2); c.3583-1298G>A (NM_001008844.3); c.5154G>A (NM_004415.3).
Identifiers: ClinVar variation 163275 (VCV000163275.25), dbSNP rs376620183, ClinGen allele CA004646.